The following is an entry in ClinVar:

ClinVar aggregate classification (germline): Pathogenic (1 of 4 stars; one submission).

Submission:

Labcorp Genetics (formerly Invitae), Labcorp
Classification: Pathogenic. Last evaluated: 2021-03-01. Review status: criteria provided, single submitter. Criteria: Invitae Variant Classification Sherloc (09022015). Collection method: clinical testing. Allele origin: germline.
Comment: For these reasons, this variant has been classified as Pathogenic. Retrotransposon insertions including LINE1 (L1), Alu, and SVA (SINE-VNTR-Alu) have been reported to be disease-causing through disruption of either a coding region or splice site (PMID: 19763152, 20307669, 22406018) and loss-of-function variants in GLE1 are known to be pathogenic (PMID: 18204449, 24243016, 27684565). Algorithms developed to predict the effect of sequence changes on RNA splicing suggest that this variant may create or strengthen a splice site, but this prediction has not been confirmed by published transcriptional studies. This variant has not been reported in the literature in individuals with GLE1-related conditions. This variant is not present in population databases (ExAC no frequency). This sequence change inserts a large fragment of DNA, likely a transposable element, in exon 4 of the GLE1 gene (c.560_561ins152?), causing a frameshift at codon 188 (p.Arg188fs). The exact size and sequence of the insertion cannot be determined by the current assay. However, the insertion is expected to result in an absent or disrupted protein product.

Literature cited by the submitters: PubMed 19763152; PubMed 20307669; PubMed 22406018; PubMed 18204449; PubMed 24243016; PubMed 27684565.

NM_001003722.2(GLE1):c.560_561insAGCTGACTCCCTTAGAGCAAAGGATAGACAGCCACCATTACCAAATACCATTTTTGCATGGGGATTGTGCAGCTGGCAGTGTTCCTGCCCCAGCATGGCACCTTANNNNNNNNNNAAAAAAAAAAAAAAAAAAAAAAAGAATTCCAGGACTT (p.Arg188fs)

Gene: GLE1 (GLE1 RNA export mediator; plus strand). Cytogenetic location: 9q34.11.
Variant type: Insertion.
Coding change: c.560_561insAGCTGACTCCCTTAGAGCAAAGGATAGACAGCCACCATTACCAAATACCATTTTTGCATGGGGATTGTGCAGCTGGCAGTGTTCCTGCCCCAGCATGGCACCTTANNNNNNNNNNAAAAAAAAAAAAAAAAAAAAAAAGAATTCCAGGACTT on transcript NM_001003722.2 (MANE Select); coding-DNA positions 560 to 561, AGCTGACTCCCTTAGAGCAAAGGATAGACAGCCACCATTACCAAATACCATTTTTGCATGGGGATTGTGCAGCTGGCAGTGTTCCTGCCCCAGCATGGCACCTTANNNNNNNNNNAAAAAAAAAAAAAAAAAAAAAAAGAATTCCAGGACTT inserted.
Protein change: p.Arg188fs; shifts the reading frame from arginine 188.
Molecular consequence: frameshift variant.
Genome position: GRCh38: chr9:128,522,795-128,522,796. GRCh37 (hg19): chr9:131,285,074-131,285,075.
Other names: c.560_561insAGCTGACTCCCTTAGAGCAAAGGATAGACAGCCACCATTACCAAATACCATTTTTGCATGGGGATTGTGCAGCTGGCAGTGTTCCTGCCCCAGCATGGCACCTTANNNNNNNNNNAAAAAAAAAAAAAAAAAAAAAAAGAATTCCAGGACTT, p.Arg188fs (NM_001499.2); short protein forms R188fs.
Identifiers: ClinVar variation 1456784 (VCV001456784.6), dbSNP rs2132455321.